The following is an entry in ClinVar:

NM_198253.3(TERT):c.353G>A (p.Ser118Asn)

Gene: TERT (telomerase reverse transcriptase; minus strand). Cytogenetic location: 5p15.33.
Variant type: single nucleotide variant.
Coding change: c.353G>A on transcript NM_198253.3 (MANE Select); coding-DNA position 353, G replaced by A.
Protein change: p.Ser118Asn; replaces serine 118 with asparagine.
Molecular consequence: missense variant. On other transcripts: non-coding transcript variant (2).
Genome position (GRCh38, 1-based): chr5:1,294,533, C>T on the plus strand (G>A on the coding strand, the complement: TERT is on the minus strand). VCF-style: chr5-1294533-C-T. GRCh37 (hg19) VCF-style: chr5-1294648-C-T.
Other names: c.353G>A, p.Ser118Asn (NM_001193376.3); short protein forms S118N.
Identifiers: ClinVar variation 1448890 (VCV001448890.8), dbSNP rs2126690251, ClinGen allele CA359058209.

ClinVar aggregate classification (germline): Uncertain significance (1 of 4 stars; one submission).

Conditions:
Idiopathic Pulmonary Fibrosis. Also called: Idiopathic fibrosing alveolitis, chronic form; idiopathic fibrosing alveolitis. Identifiers: Orphanet 2032, MedGen C1800706, MeSH D054990, MONDO:0800504.
Dyskeratosis congenita, autosomal dominant 2. Identifiers: MedGen C3151443, MONDO:0013521, OMIM 613989.

Submission:

Labcorp Genetics (formerly Invitae), Labcorp
Classification: Uncertain significance for Dyskeratosis congenita, autosomal dominant 2; Idiopathic Pulmonary Fibrosis. Last evaluated: 2021-02-28. Review status: criteria provided, single submitter. Criteria: Invitae Variant Classification Sherloc (09022015). Collection method: clinical testing. Allele origin: germline.
Comment: This variant is not present in population databases (ExAC no frequency). This sequence change replaces serine with asparagine at codon 118 of the TERT protein (p.Ser118Asn). The serine residue is weakly conserved and there is a small physicochemical difference between serine and asparagine. This variant has not been reported in the literature in individuals with TERT-related conditions. In summary, the available evidence is currently insufficient to determine the role of this variant in disease. Therefore, it has been classified as a Variant of Uncertain Significance. Advanced modeling of protein sequence and biophysical properties (such as structural, functional, and spatial information, amino acid conservation, physicochemical variation, residue mobility, and thermodynamic stability) performed at Invitae indicates that this missense variant is not expected to disrupt TERT protein function.